The following is an entry in ClinVar:

ClinVar aggregate classification (germline): Pathogenic (1 of 4 stars; one submission).

Conditions:
Familial hypocalciuric hypercalcemia (FHH). Also called: Familial benign hypercalcemia. Identifiers: Orphanet 405, MedGen C1809471, MONDO:0018458.
Autosomal dominant hypocalcemia 1 (HYPOC1). Also called: HYPOCALCEMIA, FAMILIAL. Identifiers: MedGen C3715128, MONDO:0011013, OMIM 601198.

Submission:

Labcorp Genetics (formerly Invitae), Labcorp
Classification: Pathogenic for Familial hypocalciuric hypercalcemia; Autosomal dominant hypocalcemia 1. Last evaluated: 2025-02-02. Review status: criteria provided, single submitter. Criteria: Invitae Variant Classification Sherloc (09022015). Collection method: clinical testing. Allele origin: germline.
Comment: This sequence change creates a premature translational stop signal (p.Phe479Leufs*148) in the CASR gene. While this is not anticipated to result in nonsense mediated decay, it is expected to disrupt the last 600 amino acid(s) of the CASR protein. This variant is not present in population databases (gnomAD no frequency). This variant has not been reported in the literature in individuals affected with CASR-related conditions. This variant disrupts a region of the CASR protein in which other variant(s) (p.Arg886Trp) have been determined to be pathogenic (PMID: 17698911). This suggests that this is a clinically significant region of the protein, and that variants that disrupt it are likely to be disease-causing. For these reasons, this variant has been classified as Pathogenic.

Literature cited by the submitters: PubMed 17698911.

NM_000388.4(CASR):c.1434del (p.Phe479fs)

Gene: CASR (calcium sensing receptor; plus strand). Cytogenetic location: 3q21.1.
Variant type: Deletion.
Coding change: c.1434del on transcript NM_000388.4 (MANE Select); coding-DNA position 1434, one base deleted (C; older notation c.1434delC).
Protein change: p.Phe479fs; shifts the reading frame from phenylalanine 479.
Molecular consequence: frameshift variant.
Genome position (GRCh38, 1-based): chr3:122,275,868, C deleted; the last of 2 consecutive C bases (chr3:122,275,867-122,275,868); deleting either gives the same sequence. VCF-style (leftmost placement, unchanged base first): chr3-122275866-AC-A. GRCh37 (hg19) VCF-style: chr3-121994713-AC-A.
Other names: c.1434del, p.Phe479fs (NM_001178065.2); short protein forms F479fs.
Identifiers: ClinVar variation 4784048 (VCV004784048.1).
Genomic context (GRCh38, chr3:122,275,866, plus strand): 5'-CTTTAGGTCCTGAAGCACCTACGGCATCTAAACTTTACAAACAATATGGGGGAGCAGGTG[AC>A]CTTTGATGAGTGTGGTGACCTGGTGGGGAACTATTCCATCATCAACTGGCACCTCTCCCC-3'